The following is an entry in ClinVar:

ClinVar aggregate classification (germline): Likely benign (1 of 4 stars; one submission).

Allele frequency attached by ClinVar (database versions not stated): gnomAD 0.00030.

Submission:

CeGaT Center for Human Genetics Tuebingen
Classification: Likely benign. Last evaluated: 2024-01-01. Review status: criteria provided, single submitter. Criteria: CeGaT Center For Human Genetics Tuebingen Variant Classification Criteria Version 2. Collection method: clinical testing. Allele origin: germline. Affected: yes. Observed: 7 variant alleles.
Comment: TEX13C: BS2

NM_001195272.2(TEX13C):c.1554G>A (p.Leu518=)

Gene: TEX13C (TEX13 family member C; plus strand). Cytogenetic location: Xq25.
Variant type: single nucleotide variant.
Coding change: c.1554G>A on transcript NM_001195272.2 (MANE Select); coding-DNA position 1554, G replaced by A.
Protein change: p.Leu518=; no amino-acid change (leucine 518 retained).
Molecular consequence: synonymous variant.
Genome position (GRCh38, 1-based): chrX:125,321,673, G>A. VCF-style: chrX-125321673-G-A. GRCh37 (hg19) VCF-style: chrX-124455522-G-A.
Identifiers: ClinVar variation 2661378 (VCV002661378.24), dbSNP rs769209552, ClinGen allele CA10510607.